The following is an entry in ClinVar:

NM_017849.4(TMEM127):c.27G>T (p.Leu9=)

Genes: TMEM127 (transmembrane protein 127; minus strand), LOC129934333 (ATAC-STARR-seq lymphoblastoid silent region 11759; plus strand). Cytogenetic location: 2q11.2.
Variant type: single nucleotide variant.
Coding change: c.27G>T on transcript NM_017849.4 (MANE Select); coding-DNA position 27, G replaced by T.
Protein change: p.Leu9=; no amino-acid change (leucine 9 retained).
Molecular consequence: synonymous variant. On other transcripts: intron variant (1).
Genome position (GRCh38, 1-based): chr2:96,265,355, C>A on the plus strand (G>T on the coding strand, the complement: TMEM127 is on the minus strand). VCF-style: chr2-96265355-C-A. GRCh37 (hg19) VCF-style: chr2-96931093-C-A.
Other names: c.27G>T, p.Leu9= (NM_001193304.3); c.-9+514G>T (NM_001407283.1).
Identifiers: ClinVar variation 1796201 (VCV001796201.8), dbSNP rs2104308461, ClinGen allele CA427496504.
Genomic context (GRCh38, chr2:96,265,355, plus strand): 5'-ACGCTCCGGCTGCTTGGGCAGAGCGCTGCCTCCCGGGCTCCTCCGCCGGCGCCCGCCGGG[C>A]AGCCCTGCGCCTCCGGGGGCGTACATGCCCGGGGCCGCCCGCCGTCGCTCCGCAGTCGCT-3'
Protein context (NP_060319.1, residues 1-19): MYAPGGAG[Leu9=]PGGRRRRSPG

ClinVar aggregate classification (germline): Benign/Likely benign. Review status: criteria provided, multiple submitters, no conflicts (2 of 4 stars). 3 submissions from 3 submitters: Benign (1); Likely benign (2). Last evaluated 2026-07-28.

Conditions:
Hereditary pheochromocytoma and paraganglioma. Also called: Hereditary Paraganglioma-Pheochromocytoma Syndromes; Hereditary pheochromocytoma-paraganglioma; Hereditary paragangliomas and pheochromocytomas. Identifiers: Orphanet 29072, MedGen C4274332, MONDO:0017366.
Hereditary cancer-predisposing syndrome. Also called: Hereditary neoplastic syndrome; Neoplastic Syndromes, Hereditary; Tumor predisposition; Hereditary Cancer Syndrome. Identifiers: Orphanet 140162, MedGen C0027672, MeSH D009386, MONDO:0015356.

gnomAD v4.1: 9 of 1,482,438 alleles (0.00061%); highest among the groups gnomAD compares: Non-Finnish European, 0.0008%; no homozygotes.

Submissions (3):

Myriad Genetics, Inc.
Classification: Benign for Hereditary pheochromocytoma and paraganglioma. Last evaluated: 2026-07-28. Review status: criteria provided, single submitter. Criteria: Myriad Autosomal Dominant, Autosomal Recessive and X-Linked Classification Criteria (2023). Collection method: clinical testing. Allele origin: unknown.
Comment: This variant is considered benign. This variant is a silent/synonymous amino acid change and it is not expected to impact splicing.

Labcorp Genetics (formerly Invitae), Labcorp
Classification: Likely benign for Hereditary pheochromocytoma and paraganglioma. Last evaluated: 2024-05-10. Review status: criteria provided, single submitter. Criteria: Invitae Variant Classification Sherloc (09022015). Collection method: clinical testing. Allele origin: germline.

Ambry Genetics
Classification: Likely benign for Hereditary cancer-predisposing syndrome. Last evaluated: 2021-02-26. Review status: criteria provided, single submitter. Criteria: Ambry Variant Classification Scheme 2023. Collection method: clinical testing. Allele origin: germline.